The following is an entry in ClinVar:

ClinVar aggregate classification (germline): Uncertain significance. Review status: criteria provided, multiple submitters, no conflicts (2 of 4 stars). 2 submissions from 2 submitters: Uncertain significance (2). Last evaluated 2025-09-27.

Conditions:
Inborn genetic diseases. Identifiers: MedGen C0950123, MeSH D030342.

gnomAD v4.1: 13 of 1,609,570 alleles (0.00081%); highest among the groups gnomAD compares: Admixed American, 0.0017%; no homozygotes.

Submissions (2):

Dasa
Classification: Uncertain significance. Last evaluated: 2025-09-27. Review status: criteria provided, single submitter. Criteria: DASA Assertion Criteria. Collection method: clinical testing. Allele origin: germline.
Comment: NM_005862.3(STAG1):c.910A>G (p.Ile304Val) is a missense variant that results in the substitution of isoleucine with valine. This variant is rare in population databases. The currently available literature and clinical evidence are not sufficient to establish a definitive association between this variant and the reported condition. Therefore, this variant is classified as a variant of uncertain significance.

Ambry Genetics
Classification: Uncertain significance for Inborn genetic diseases. Last evaluated: 2025-09-09. Review status: criteria provided, single submitter. Criteria: Ambry Variant Classification Scheme 2023. Collection method: clinical testing. Allele origin: germline.

NM_005862.3(STAG1):c.910A>G (p.Ile304Val)

Gene: STAG1 (STAG1 cohesin complex component; minus strand). Cytogenetic location: 3q22.3.
Variant type: single nucleotide variant.
Coding change: c.910A>G on transcript NM_005862.3 (MANE Select); coding-DNA position 910, A replaced by G.
Protein change: p.Ile304Val; replaces isoleucine 304 with valine.
Molecular consequence: missense variant.
Genome position (GRCh38, 1-based): chr3:136,477,405, T>C on the plus strand (A>G on the coding strand, the complement: STAG1 is on the minus strand). VCF-style: chr3-136477405-T-C. GRCh37 (hg19) VCF-style: chr3-136196247-T-C.
Other names: short protein forms I304V.
Identifiers: ClinVar variation 4176074 (VCV004176074.3).